The following is an entry in ClinVar:

NM_000096.4(CP):c.1040G>A (p.Gly347Asp)

Gene: CP (ceruloplasmin; minus strand). Cytogenetic location: 3q25.1.
Variant type: single nucleotide variant.
Coding change: c.1040G>A on transcript NM_000096.4 (MANE Select); coding-DNA position 1040, G replaced by A.
Protein change: p.Gly347Asp; replaces glycine 347 with aspartic acid.
Molecular consequence: missense variant. On other transcripts: non-coding transcript variant (1).
Genome position (GRCh38, 1-based): chr3:149,206,336, C>T on the plus strand (G>A on the coding strand, the complement: CP is on the minus strand). VCF-style: chr3-149206336-C-T. GRCh37 (hg19) VCF-style: chr3-148924123-C-T.
Other names: short protein forms G347D.
Identifiers: ClinVar variation 4851337 (VCV004851337.1).

ClinVar aggregate classification (germline): Likely pathogenic (1 of 4 stars; one submission).

Conditions:
Deficiency of ferroxidase (ACEP). Also called: Aceruloplasminemia; Ceruloplasmin deficiency; Familial apoceruloplasmin deficiency; Hereditary ceruloplasmin deficiency; Deficiency of ceruloplasmin; NEURODEGENERATION WITH BRAIN IRON ACCUMULATION 10. Identifiers: Orphanet 48818, MedGen C0878682, MONDO:0011426, OMIM 604290, HP:0025498.

gnomAD v4.1: 1 of 1,613,784 alleles (0.000062%); highest among the groups gnomAD compares: South Asian, 0.0011%; no homozygotes.

Submission:

Centre for Medical Genetics,  Mumbai
Classification: Likely pathogenic for Deficiency of ferroxidase. Last evaluated: 2026-04-08. Review status: criteria provided, single submitter. Criteria: ACMG Guidelines, 2015. Collection method: provider interpretation. Allele origin: germline. Inheritance: Autosomal recessive inheritance. Affected: yes. Observed: 1 variant allele, 1 homozygote.
Comment: The variant satisfies PM2 criteria: absent in gnomAD database; PP3 criteria: for a missense or a splicing region variant, computational prediction tools unanimously support a deleterious effect on the gene, aggregated score: 0.871; PP4 criteria: patient’s phenotype or family history is highly specific for a disease with a single genetic etiology

Literature cited by the submitters: PubMed 8789443.